The following is an entry in ClinVar:

NM_199420.4(POLQ):c.1733A>T (p.Gln578Leu)

Gene: POLQ (DNA polymerase theta; minus strand). Cytogenetic location: 3q13.33.
Variant type: single nucleotide variant.
Coding change: c.1733A>T on transcript NM_199420.4 (MANE Select); coding-DNA position 1733, A replaced by T.
Protein change: p.Gln578Leu; replaces glutamine 578 with leucine.
Molecular consequence: missense variant.
Genome position (GRCh38, 1-based): chr3:121,510,122, T>A on the plus strand (A>T on the coding strand, the complement: POLQ is on the minus strand). VCF-style: chr3-121510122-T-A. GRCh37 (hg19) VCF-style: chr3-121228969-T-A.
Other names: short protein forms Q578L.
Identifiers: ClinVar variation 1779025 (VCV001779025.2), dbSNP rs2048242157, ClinGen allele CA354114746.
Genomic context (GRCh38, chr3:121,510,122, plus strand): 5'-GTACTCTGGATGAATTCATTTTCTAGTAGCCACATCACACAGGCCTCAATCGCTCCAAGC[T>A]GAACAGACTCTTGATTTCTCTGAATTCCTTGCTTCCCTTCTTTCATACTTGCAGCCAAAA-3'
Protein context (NP_955452.3, residues 568-588): QGIQRNQESV[Gln578Leu]LGAIEACVMW

ClinVar aggregate classification (germline): Uncertain significance (1 of 4 stars; one submission).

Submission:

Ambry Genetics
Classification: Uncertain significance. Last evaluated: 2021-08-07. Review status: criteria provided, single submitter. Criteria: Ambry Variant Classification Scheme 2023. Collection method: clinical testing. Allele origin: germline.
Comment: The p.Q578L variant (also known as c.1733A>T), located in coding exon 11 of the POLQ gene, results from an A to T substitution at nucleotide position 1733. The glutamine at codon 578 is replaced by leucine, an amino acid with dissimilar properties. This amino acid position is conserved. In addition, this alteration is predicted to be tolerated by in silico analysis. Since supporting evidence is limited at this time, the clinical significance of this alteration remains unclear.